The following is an entry in ClinVar:

NM_005876.5(SPEG):c.7153G>T (p.Val2385Leu)

Genes: ASIC4-AS1 (ASIC4 antisense RNA 1; minus strand), SPEG (striated muscle enriched protein kinase; plus strand). Cytogenetic location: 2q35.
Variant type: single nucleotide variant.
Coding change: c.7153G>T on transcript NM_005876.5 (MANE Select); coding-DNA position 7153, G replaced by T.
Protein change: p.Val2385Leu; replaces valine 2385 with leucine.
Molecular consequence: missense variant.
Genome position (GRCh38, 1-based): chr2:219,484,616, G>T. VCF-style: chr2-219484616-G-T. GRCh37 (hg19) VCF-style: chr2-220349338-G-T.
Other names: short protein forms V2385L.
Identifiers: ClinVar variation 1947195 (VCV001947195.4), dbSNP rs776127460, ClinGen allele CA2127186.

ClinVar aggregate classification (germline): Uncertain significance. Review status: criteria provided, multiple submitters, no conflicts (2 of 4 stars). 2 submissions from 2 submitters: Uncertain significance (2). Last evaluated 2025-04-12.

Conditions:
Inborn genetic diseases. Identifiers: MedGen C0950123, MeSH D030342.

Allele frequency attached by ClinVar (database versions not stated): ExAC 0.00011; 1000 Genomes Project 30x 0.00031.
gnomAD v4.1: 48 of 1,552,828 alleles (0.0031%); highest among the groups gnomAD compares: African/African-American, 0.05%; no homozygotes.

Submissions (2):

Ambry Genetics
Classification: Uncertain significance for Inborn genetic diseases. Last evaluated: 2025-04-12. Review status: criteria provided, single submitter. Criteria: Ambry Variant Classification Scheme 2023. Collection method: clinical testing. Allele origin: germline.

Labcorp Genetics (formerly Invitae), Labcorp
Classification: Uncertain significance. Last evaluated: 2022-08-06. Review status: criteria provided, single submitter. Criteria: Invitae Variant Classification Sherloc (09022015). Collection method: clinical testing. Allele origin: germline.
Comment: This sequence change replaces valine, which is neutral and non-polar, with leucine, which is neutral and non-polar, at codon 2385 of the SPEG protein (p.Val2385Leu). This variant is present in population databases (rs776127460, gnomAD 0.07%). This variant has not been reported in the literature in individuals affected with SPEG-related conditions. Algorithms developed to predict the effect of missense changes on protein structure and function are either unavailable or do not agree on the potential impact of this missense change (SIFT: "Deleterious"; PolyPhen-2: "Probably Damaging"; Align-GVGD: "Class C0"). In summary, the available evidence is currently insufficient to determine the role of this variant in disease. Therefore, it has been classified as a Variant of Uncertain Significance.